The following is an entry in ClinVar:

ClinVar aggregate classification (germline): Benign/Likely benign. Review status: criteria provided, multiple submitters, no conflicts (2 of 4 stars). 7 submissions from 7 submitters: Benign (5); Likely benign (2). Last evaluated 2024-11-27.

Conditions:
Interstitial lung disease 2 (ILD2). Also called: FIBROCYSTIC PULMONARY DYSPLASIA; FIBROSING ALVEOLITIS, CRYPTOGENIC; Familial idiopathic pulmonary fibrosis. Identifiers: Orphanet 2032, Orphanet 79126, MedGen C5561926, MONDO:0800497, OMIM 178500, MONDO:0800029.

Allele frequency attached by ClinVar (database versions not stated): gnomAD exomes 0.27891 and 0.28012; ExAC 0.28665; TOPMed 0.30672; gnomAD 0.30680 and 0.30862; 1000 Genomes Project 30x 0.34760; 1000 Genomes Project 0.34884.
gnomAD v4.1: 447,969 of 1,586,620 alleles (28%); highest among the groups gnomAD compares: East Asian, 45%; 68,001 homozygotes.

Submissions (7):

Blueprint Genetics
Classification: Benign. Last evaluated: 2024-11-27. Review status: criteria provided, single submitter. Criteria: ACMG Guidelines, 2015. Collection method: clinical testing. Allele origin: germline.

Mayo Clinic Laboratories, Mayo Clinic
Classification: Benign. Last evaluated: 2022-09-06. Review status: criteria provided, single submitter. Criteria: ACMG Guidelines, 2015. Collection method: clinical testing. Allele origin: germline. Observed: 6 variant alleles.

Genome-Nilou Lab
Classification: Benign for Interstitial lung disease 2. Last evaluated: 2021-07-15. Review status: criteria provided, single submitter. Criteria: ACMG Guidelines, 2015. Collection method: clinical testing. Allele origin: germline. Affected: no.

GeneDx
Classification: Benign. Last evaluated: 2018-11-12. Review status: criteria provided, single submitter. Criteria: GeneDx Variant Classification Process June 2021. Collection method: clinical testing. Allele origin: germline. Affected: yes.

Labcorp Genetics (formerly Invitae), Labcorp
Classification: Likely benign. Last evaluated: 2017-08-02. Review status: criteria provided, single submitter. Criteria: Invitae Variant Classification Sherloc (09022015). Collection method: clinical testing. Allele origin: germline.

Laboratory for Molecular Medicine, Mass General Brigham Personalized Medicine
Classification: Benign. Last evaluated: 2015-03-12. Review status: criteria provided, single submitter. Criteria: LMM Criteria. Collection method: clinical testing. Allele origin: germline. Observed: 33 variant alleles.
Comment: p.Ser140Ser in exon 6 of SFTPA2: This variant is not expected to have clinical s ignificance it has been identified in 45% (3704/8134) of East Asian chromosomes by the Exome Aggregation Consortium (ExAC; dbSNP rs1965707).

Breakthrough Genomics
Classification: Likely benign. Review status: criteria provided, single submitter. Criteria: ACMG Guidelines, 2015. Collection method: not provided. Allele origin: germline. Inheritance: Autosomal dominant inheritance. Affected: yes.

NM_001098668.4(SFTPA2):c.420C>T (p.Ser140=)

Gene: SFTPA2 (surfactant protein A2; minus strand). Cytogenetic location: 10q22.3.
Variant type: single nucleotide variant.
Coding change: c.420C>T on transcript NM_001098668.4 (MANE Select); coding-DNA position 420, C replaced by T.
Protein change: p.Ser140=; no amino-acid change (serine 140 retained).
Molecular consequence: synonymous variant.
Genome position (GRCh38, 1-based): chr10:79,557,536, G>A on the plus strand (C>T on the coding strand, the complement: SFTPA2 is on the minus strand). VCF-style: chr10-79557536-G-A. GRCh37 (hg19) VCF-style: chr10-81317292-G-A.
Other names: p.Ser140=; c.420C>T, p.Ser140= (NM_001320813.2); c.450C>T, p.Ser150= (NM_001320814.1).
Identifiers: ClinVar variation 227069 (VCV000227069.15), dbSNP rs1965707, ClinGen allele CA5574039.